The following is an entry in ClinVar:

NM_003079.5(SMARCE1):c.827T>C (p.Leu276Pro)

Gene: SMARCE1 (SWI/SNF related BAF chromatin remodeling complex subunit E1; minus strand). Cytogenetic location: 17q21.2.
Variant type: single nucleotide variant.
Coding change: c.827T>C on transcript NM_003079.5 (MANE Select); coding-DNA position 827, T replaced by C.
Protein change: p.Leu276Pro; replaces leucine 276 with proline.
Molecular consequence: missense variant.
Genome position (GRCh38, 1-based): chr17:40,630,914, A>G on the plus strand (T>C on the coding strand, the complement: SMARCE1 is on the minus strand). VCF-style: chr17-40630914-A-G. GRCh37 (hg19) VCF-style: chr17-38787166-A-G.
Other names: short protein forms L276P.
Identifiers: ClinVar variation 2089977 (VCV002089977.4), dbSNP rs2508596212, ClinGen allele CA399363974.

ClinVar aggregate classification (germline): Uncertain significance (1 of 4 stars; one submission).

Conditions:
Familial meningioma. Also called: Meningioma, familial, susceptibility to. Identifiers: Orphanet 263662, MedGen C3551915, MONDO:0011789, OMIM 607174.

Submission:

Labcorp Genetics (formerly Invitae), Labcorp
Classification: Uncertain significance for Familial meningioma. Last evaluated: 2022-01-26. Review status: criteria provided, single submitter. Criteria: Invitae Variant Classification Sherloc (09022015). Collection method: clinical testing. Allele origin: germline.
Comment: In summary, the available evidence is currently insufficient to determine the role of this variant in disease. Therefore, it has been classified as a Variant of Uncertain Significance. Algorithms developed to predict the effect of missense changes on protein structure and function are either unavailable or do not agree on the potential impact of this missense change (SIFT: "Tolerated"; PolyPhen-2: "Possibly Damaging"; Align-GVGD: "Class C0"). This variant has not been reported in the literature in individuals affected with SMARCE1-related conditions. This variant is not present in population databases (gnomAD no frequency). This sequence change replaces leucine, which is neutral and non-polar, with proline, which is neutral and non-polar, at codon 276 of the SMARCE1 protein (p.Leu276Pro).